The following is an entry in ClinVar:

ClinVar aggregate classification (germline): Conflicting classifications of pathogenicity. Review status: criteria provided, conflicting classifications (1 of 4 stars). 2 submissions from 2 submitters: Uncertain significance (1); Likely benign (1). Last evaluated 2025-04-30.

Conditions:
Cardiovascular phenotype. Identifiers: MedGen CN230736.
Dilated cardiomyopathy 1DD (CMD1DD). Identifiers: Orphanet 154, MedGen C2750995, MONDO:0013168, OMIM 613172.

Allele frequency attached by ClinVar (database versions not stated): gnomAD 0.00001; gnomAD exomes 0.00001; TOPMed 0.00001; ExAC 0.00005.
gnomAD v4.1: 11 of 1,551,868 alleles (0.00071%); highest among the groups gnomAD compares: Middle Eastern, 0.067%; no homozygotes.

Submissions (2):

Labcorp Genetics (formerly Invitae), Labcorp
Classification: Likely benign for Dilated cardiomyopathy 1DD. Last evaluated: 2025-04-30. Review status: criteria provided, single submitter. Criteria: Invitae Variant Classification Sherloc (09022015). Collection method: clinical testing. Allele origin: germline.

Ambry Genetics
Classification: Uncertain significance for Cardiovascular phenotype. Last evaluated: 2023-07-03. Review status: criteria provided, single submitter. Criteria: Ambry Variant Classification Scheme 2023. Collection method: clinical testing. Allele origin: germline.
Comment: The p.A382S variant (also known as c.1144G>T), located in coding exon 2 of the RBM20 gene, results from a G to T substitution at nucleotide position 1144. The alanine at codon 382 is replaced by serine, an amino acid with similar properties. This alteration has been reported in a hypertrophic cardiomyopathy (HCM) cohort; however, clinical details were limited (Lopes LR et al. Heart, 2015 Feb;101:294-301). This amino acid position is poorly conserved in available vertebrate species. In addition, this alteration is predicted to be tolerated by in silico analysis. Since supporting evidence is limited at this time, the clinical significance of this alteration remains unclear.

Literature cited by the submitters: PubMed 25351510 (cited by Ambry Genetics).

NM_001134363.3(RBM20):c.1144G>T (p.Ala382Ser)

Gene: RBM20 (RNA binding motif protein 20; plus strand). Cytogenetic location: 10q25.2.
Variant type: single nucleotide variant.
Coding change: c.1144G>T on transcript NM_001134363.3 (MANE Select); coding-DNA position 1144, G replaced by T.
Protein change: p.Ala382Ser; replaces alanine 382 with serine.
Molecular consequence: missense variant.
Genome position (GRCh38, 1-based): chr10:110,781,753, G>T. VCF-style: chr10-110781753-G-T. GRCh37 (hg19) VCF-style: chr10-112541511-G-T.
Other names: short protein forms A382S.
Identifiers: ClinVar variation 2201738 (VCV002201738.6), dbSNP rs759905184, ClinGen allele CA5688560.